The following is an entry in ClinVar:

ClinVar aggregate classification (germline): Likely benign. Review status: criteria provided, single submitter (1 of 4 stars). 2 submissions from 2 submitters: Likely benign (1). 1 of the submissions does not count toward it. Last evaluated 2025-04-27.

Conditions:
Epidermodysplasia verruciformis. Identifiers: Orphanet 302, MedGen C0014522, MONDO:0009176.
TMC8-related disorder. Also called: TMC8-related condition.

Allele frequency attached by ClinVar (database versions not stated): gnomAD exomes below 0.00001 and 0.00002; gnomAD 0.00002; ExAC 0.00003; TOPMed 0.00003.
gnomAD v4.1: 23 of 1,613,604 alleles (0.0014%); highest among the groups gnomAD compares: East Asian, 0.02%; no homozygotes.

Submissions (2):

Labcorp Genetics (formerly Invitae), Labcorp
Classification: Likely benign for Epidermodysplasia verruciformis. Last evaluated: 2025-04-27. Review status: criteria provided, single submitter. Criteria: Invitae Variant Classification Sherloc (09022015). Collection method: clinical testing. Allele origin: germline.

PreventionGenetics, part of Exact Sciences
Classification: Likely benign for TMC8-related condition. Last evaluated: 2019-02-21. Review status: no assertion criteria provided. Collection method: clinical testing. Allele origin: germline. Not counted in ClinVar's aggregate classification.
Comment: This variant is classified as likely benign based on ACMG/AMP sequence variant interpretation guidelines (Richards et al. 2015 PMID: 25741868, with internal and published modifications).

NM_152468.5(TMC8):c.532-6C>T

Gene: TMC8 (transmembrane channel like 8; plus strand). Cytogenetic location: 17q25.3.
Variant type: single nucleotide variant.
Coding change: c.532-6C>T on transcript NM_152468.5 (MANE Select); 6 bases into the intron before coding-DNA position 532, C replaced by T.
Molecular consequence: intron variant.
Genome position (GRCh38, 1-based): chr17:78,133,400, C>T. VCF-style: chr17-78133400-C-T. GRCh37 (hg19) VCF-style: chr17-76129481-C-T.
Other names: c.532-6C>T (NM_152468.4).
Identifiers: ClinVar variation 1023188 (VCV001023188.11), dbSNP rs374762240, ClinGen allele CA8796501.